The following is an entry in ClinVar:

ClinVar aggregate classification (germline): Uncertain significance (1 of 4 stars; one submission).

Allele frequency attached by ClinVar (database versions not stated): gnomAD exomes below 0.00001; TOPMed below 0.00001.
gnomAD v4.1: 2 of 1,614,180 alleles (0.00012%); highest among the groups gnomAD compares: Non-Finnish European, 0.00017%; no homozygotes.

Submission:

Labcorp Genetics (formerly Invitae), Labcorp
Classification: Uncertain significance. Last evaluated: 2023-08-30. Review status: criteria provided, single submitter. Criteria: Invitae Variant Classification Sherloc (09022015). Collection method: clinical testing. Allele origin: germline.
Comment: In summary, the available evidence is currently insufficient to determine the role of this variant in disease. Therefore, it has been classified as a Variant of Uncertain Significance. Advanced modeling of protein sequence and biophysical properties (such as structural, functional, and spatial information, amino acid conservation, physicochemical variation, residue mobility, and thermodynamic stability) performed at Invitae indicates that this missense variant is not expected to disrupt CEP97 protein function. ClinVar contains an entry for this variant (Variation ID: 1920949). This variant has not been reported in the literature in individuals affected with CEP97-related conditions. This variant is not present in population databases (gnomAD no frequency). This sequence change replaces methionine, which is neutral and non-polar, with threonine, which is neutral and polar, at codon 593 of the CEP97 protein (p.Met593Thr).

NM_024548.4(CEP97):c.1778T>C (p.Met593Thr)

Gene: CEP97 (centrosomal protein 97; plus strand). Cytogenetic location: 3q12.3.
Variant type: single nucleotide variant.
Coding change: c.1778T>C on transcript NM_024548.4 (MANE Select); coding-DNA position 1778, T replaced by C.
Protein change: p.Met593Thr; replaces methionine 593 with threonine.
Molecular consequence: missense variant.
Genome position (GRCh38, 1-based): chr3:101,758,384, T>C. VCF-style: chr3-101758384-T-C. GRCh37 (hg19) VCF-style: chr3-101477228-T-C.
Other names: c.1601T>C, p.Met534Thr (NM_001303401.2); c.1676T>C, p.Met559Thr (NM_001410784.1); c.1499T>C, p.Met500Thr (NM_001410785.1); short protein forms M500T, M559T, M534T, M593T.
Identifiers: ClinVar variation 1920949 (VCV001920949.5), dbSNP rs1939080656, ClinGen allele CA353878624.